The following is an entry in ClinVar:

NM_206933.4(USH2A):c.1449G>A (p.Thr483=)

Gene: USH2A (usherin; minus strand). Cytogenetic location: 1q41.
Variant type: single nucleotide variant.
Coding change: c.1449G>A on transcript NM_206933.4 (MANE Select); coding-DNA position 1449, G replaced by A.
Protein change: p.Thr483=; no amino-acid change (threonine 483 retained).
Molecular consequence: synonymous variant.
Genome position (GRCh38, 1-based): chr1:216,323,575, C>T on the plus strand (G>A on the coding strand, the complement: USH2A is on the minus strand). VCF-style: chr1-216323575-C-T. GRCh37 (hg19) VCF-style: chr1-216496917-C-T.
Other names: c.1449G>A, p.Thr483= (NM_007123.6); c.1449G>A (NM_206933.2).
Identifiers: ClinVar variation 1083530 (VCV001083530.33), dbSNP rs755603663, ClinGen allele CA1396515.

ClinVar aggregate classification (germline): Likely benign. Review status: criteria provided, multiple submitters, no conflicts (2 of 4 stars). 5 submissions from 4 submitters: Likely benign (5). Last evaluated 2025-08-26.

Conditions:
USH2A-related disorder. Also called: USH2A-related condition; USH2A-related disorders. Identifiers: MedGen CN239332.
Retinitis pigmentosa 39 (RP39). Identifiers: Orphanet 791, MedGen C3151138, MONDO:0013436, OMIM 613809.
Usher syndrome type 2A. Also called: RETINAL DISEASE IN USHER SYNDROME TYPE IIA, MODIFIER OF; USHER SYNDROME, TYPE IIA. Identifiers: Orphanet 231178, Orphanet 886, MedGen C1848634, MONDO:0010169, OMIM 276901.

Allele frequency attached by ClinVar (database versions not stated): gnomAD 0.00003.
gnomAD v4.1: 43 of 1,613,376 alleles (0.0027%); highest among the groups gnomAD compares: South Asian, 0.0066%; no homozygotes.

Submissions (5):

PreventionGenetics, part of Exact Sciences
Classification: Likely benign for USH2A-related condition. Last evaluated: 2025-08-26. Review status: criteria provided, single submitter. Criteria: ACMG Guidelines, 2015. Collection method: clinical testing. Allele origin: germline.
Comment: This variant is classified as likely benign based on ACMG/AMP sequence variant interpretation guidelines (Richards et al. 2015 PMID: 25741868, with internal and published modifications).

Labcorp Genetics (formerly Invitae), Labcorp
Classification: Likely benign. Last evaluated: 2024-08-05. Review status: criteria provided, single submitter. Criteria: Invitae Variant Classification Sherloc (09022015). Collection method: clinical testing. Allele origin: germline.

Genome-Nilou Lab
Classification: Likely benign for Retinitis pigmentosa 39. Last evaluated: 2023-11-04. Review status: criteria provided, single submitter. Criteria: ACMG Guidelines, 2015. Collection method: clinical testing. Allele origin: germline. Affected: no.

Genome-Nilou Lab
Classification: Likely benign for Usher syndrome type 2A. Last evaluated: 2023-11-04. Review status: criteria provided, single submitter. Criteria: ACMG Guidelines, 2015. Collection method: clinical testing. Allele origin: germline. Affected: no.

CeGaT Center for Human Genetics Tuebingen
Classification: Likely benign. Last evaluated: 2023-03-01. Review status: criteria provided, single submitter. Criteria: CeGaT Center For Human Genetics Tuebingen Variant Classification Criteria Version 2. Collection method: clinical testing. Allele origin: germline. Affected: yes. Observed: 1 variant allele.
Comment: USH2A: BP4, BP7